The following is an entry in ClinVar:

NM_198578.4(LRRK2):c.230T>C (p.Val77Ala)

Gene: LRRK2 (leucine rich repeat kinase 2; plus strand). Cytogenetic location: 12q12.
Variant type: single nucleotide variant.
Coding change: c.230T>C on transcript NM_198578.4 (MANE Select); coding-DNA position 230, T replaced by C.
Protein change: p.Val77Ala; replaces valine 77 with alanine.
Molecular consequence: missense variant.
Genome position (GRCh38, 1-based): chr12:40,225,633, T>C. VCF-style: chr12-40225633-T-C. GRCh37 (hg19) VCF-style: chr12-40619435-T-C.
Other names: short protein forms V77A.
Identifiers: ClinVar variation 1789421 (VCV001789421.2), dbSNP rs2499336502, ClinGen allele CA384399486.
Genomic context (GRCh38, chr12:40,225,633, plus strand): 5'-GCAAAAATATCCATGTGCCTCTGTTGATCGTCTTGGACTCCTATATGAGAGTCGCGAGTG[T>C]GCAGCAGGTAAAGGCATTGTTTTCACTTCAACTCATTCTCCCTTCTGTTTGGAAGGAGAC-3'
Protein context (NP_940980.4, residues 67-87): VLDSYMRVAS[Val77Ala]QQVGWSLLCK

ClinVar aggregate classification (germline): Uncertain significance (1 of 4 stars; one submission).

Conditions:
Inborn genetic diseases. Identifiers: MedGen C0950123, MeSH D030342.

Submission:

Ambry Genetics
Classification: Uncertain significance for Inborn genetic diseases. Last evaluated: 2021-10-11. Review status: criteria provided, single submitter. Criteria: Ambry Variant Classification Scheme 2023. Collection method: clinical testing. Allele origin: germline.
Comment: The p.V77A variant (also known as c.230T>C), located in coding exon 2 of the LRRK2 gene, results from a T to C substitution at nucleotide position 230. The valine at codon 77 is replaced by alanine, an amino acid with similar properties. This amino acid position is conserved. In addition, the in silico prediction for this alteration is inconclusive. Since supporting evidence is limited at this time, the clinical significance of this alteration remains unclear.